The following is an entry in ClinVar:

NM_024334.3(TMEM43):c.443-15C>A

Gene: TMEM43 (transmembrane protein 43; plus strand). Cytogenetic location: 3p25.1.
Variant type: single nucleotide variant.
Coding change: c.443-15C>A on transcript NM_024334.3 (MANE Select); 15 bases into the intron before coding-DNA position 443, C replaced by A.
Molecular consequence: intron variant.
Genome position (GRCh38, 1-based): chr3:14,132,851, C>A. VCF-style: chr3-14132851-C-A. GRCh37 (hg19) VCF-style: chr3-14174351-C-A.
Other names: c.443-12C>A (NM_001407274.1); c.443-15C>A (NM_001407276.1, NM_001407275.1, NM_001407277.1 and 1 more transcripts); c.428-15C>A (NM_001407278.1); c.293-15C>A (NM_001407280.1).
Identifiers: ClinVar variation 3074096 (VCV003074096.1), dbSNP rs1695115481, ClinGen allele CA2664569597.

ClinVar aggregate classification (germline): Uncertain significance (1 of 4 stars; one submission).

Conditions:
Arrhythmogenic right ventricular dysplasia 5. Also called: Arrhythmogenic Right Ventricular Dysplasia/Cardiomyopathy 5; ARRHYTHMOGENIC RIGHT VENTRICULAR DYSPLASIA, FAMILIAL, 5. Identifiers: MedGen C1858379, MONDO:0011459, OMIM 604400.

gnomAD v4.1: 1 of 1,613,476 alleles (0.000062%); highest among the groups gnomAD compares: African/African-American, 0.0013%; no homozygotes.

Submission:

All of Us Research Program, National Institutes of Health
Classification: Uncertain significance for Arrhythmogenic right ventricular dysplasia 5. Last evaluated: 2023-10-23. Review status: criteria provided, single submitter. Criteria: ACMG Guidelines, 2015. Collection method: clinical testing. Allele origin: germline. Inheritance: Autosomal dominant inheritance. Observed: 1 variant allele, 1 heterozygote.
Comment: This variant causes a C to A nucleotide substitution at the -15 position of intron 5 of the TMEM43 gene. To our knowledge, functional studies have not been reported for this variant. This variant has not been reported in individuals affected with cardiovascular disorders in the literature. This variant has not been identified in the general population by the Genome Aggregation Database (gnomAD). The available evidence is insufficient to determine the role of this variant in disease conclusively. Therefore, this variant is classified as a Variant of Uncertain Significance.

This study involves interpretation of variants in research participants for the purpose of population health screening. Participant phenotype was not available at the time of variant classification. Additional details can be found in publication PMID: 35346344, PMCID: PMC8962531